The following is an entry in ClinVar:

NM_000256.3(MYBPC3):c.475A>G (p.Met159Val)

Gene: MYBPC3 (myosin binding protein C3; minus strand). Cytogenetic location: 11p11.2.
Variant type: single nucleotide variant.
Coding change: c.475A>G on transcript NM_000256.3 (MANE Select); coding-DNA position 475, A replaced by G.
Protein change: p.Met159Val; replaces methionine 159 with valine.
Molecular consequence: missense variant.
Genome position (GRCh38, 1-based): chr11:47,350,044, T>C on the plus strand (A>G on the coding strand, the complement: MYBPC3 is on the minus strand). VCF-style: chr11-47350044-T-C. GRCh37 (hg19) VCF-style: chr11-47371595-T-C.
Other names: short protein forms M159V.
Identifiers: ClinVar variation 2773767 (VCV002773767.4), dbSNP rs2495781726, ClinGen allele CA380338564.

ClinVar aggregate classification (germline): Uncertain significance. Review status: criteria provided, multiple submitters, no conflicts (2 of 4 stars). 2 submissions from 2 submitters: Uncertain significance (2). Last evaluated 2024-05-28.

Conditions:
Cardiomyopathy (CMYO). Also called: Cardiomyopathies. Identifiers: Orphanet 167848, MedGen C0878544, MONDO:0004994, HP:0001638. Inheritance: Various modes of inheritance.
Hypertrophic cardiomyopathy. Also called: HYPERTROPHIC MYOCARDIOPATHY. Identifiers: Orphanet 217569, MedGen C0007194, MeSH D002312, MONDO:0005045, HP:0001639.

Submissions (2):

Labcorp Genetics (formerly Invitae), Labcorp
Classification: Uncertain significance for Hypertrophic cardiomyopathy. Last evaluated: 2024-05-28. Review status: criteria provided, single submitter. Criteria: Invitae Variant Classification Sherloc (09022015). Collection method: clinical testing. Allele origin: germline.
Comment: This sequence change replaces methionine, which is neutral and non-polar, with valine, which is neutral and non-polar, at codon 159 of the MYBPC3 protein (p.Met159Val). This variant is not present in population databases (gnomAD no frequency). This variant has not been reported in the literature in individuals affected with MYBPC3-related conditions. An algorithm developed to predict the effect of missense changes on protein structure and function (PolyPhen-2) suggests that this variant is likely to be tolerated. In summary, the available evidence is currently insufficient to determine the role of this variant in disease. Therefore, it has been classified as a Variant of Uncertain Significance.

Color Diagnostics, LLC DBA Color Health
Classification: Uncertain significance for Cardiomyopathy. Last evaluated: 2022-11-21. Review status: criteria provided, single submitter. Criteria: ACMG Guidelines, 2015. Collection method: clinical testing. Allele origin: germline.
Comment: This missense variant replaces methionine with valine at codon 159 of the MYBPC3 protein. Computational prediction suggests that this variant may not impact protein structure and function (internally defined REVEL score threshold <= 0.5, PMID: 27666373). To our knowledge, functional studies have not been reported for this variant. This variant has not been reported in individuals affected with MYBPC3-related disorders in the literature. This variant has not been identified in the general population by the Genome Aggregation Database (gnomAD). The available evidence is insufficient to determine the role of this variant in disease conclusively. Therefore, this variant is classified as a Variant of Uncertain Significance.